The following is an entry in ClinVar:

ClinVar aggregate classification (germline): Uncertain significance (1 of 4 stars; one submission).

gnomAD v4.1: 3 of 1,611,948 alleles (0.00019%); highest among the groups gnomAD compares: African/African-American, 0.0027%; no homozygotes.

Submission:

Labcorp Genetics (formerly Invitae), Labcorp
Classification: Uncertain significance. Last evaluated: 2024-12-16. Review status: criteria provided, single submitter. Criteria: Invitae Variant Classification Sherloc (09022015). Collection method: clinical testing. Allele origin: germline.
Comment: This sequence change replaces serine, which is neutral and polar, with asparagine, which is neutral and polar, at codon 198 of the GANAB protein (p.Ser198Asn). This variant is present in population databases (no rsID available, gnomAD 0.003%). This variant has not been reported in the literature in individuals affected with GANAB-related conditions. An algorithm developed to predict the effect of missense changes on protein structure and function (PolyPhen-2) suggests that this variant is likely to be tolerated. In summary, the available evidence is currently insufficient to determine the role of this variant in disease. Therefore, it has been classified as a Variant of Uncertain Significance.

NM_198334.3(GANAB):c.560+478G>A

Gene: GANAB (glucosidase II alpha subunit; minus strand). Cytogenetic location: 11q12.3.
Variant type: single nucleotide variant.
Coding change: c.560+478G>A on transcript NM_198334.3 (MANE Select); 478 bases into the intron after coding-DNA position 560, G replaced by A.
Molecular consequence: intron variant. On other transcripts: missense variant (2).
Genome position (GRCh38, 1-based): chr11:62,634,343, C>T on the plus strand (G>A on the coding strand, the complement: GANAB is on the minus strand). VCF-style: chr11-62634343-C-T. GRCh37 (hg19) VCF-style: chr11-62401815-C-T.
Other names: c.251G>A, p.Ser84Asn (NM_001278192.2); c.593G>A, p.Ser198Asn (NM_198335.4); c.218+478G>A (NM_001278193.2); c.269+478G>A (NM_001329223.2, NM_001278194.2, NM_001329222.2); c.-217+478G>A (NM_001329225.2, NM_001329224.2); short protein forms S84N, S198N.
Identifiers: ClinVar variation 3632699 (VCV003632699.2).
Genomic context (GRCh38, chr11:62,634,343, plus strand): 5'-ATACAGTACCGGTGGCCATGGATTTACCTAGAGAAAAGGTTCTTGATCTTATCCCATATG[C>T]TACCAAGCGTGAGATTAACCTTATCCGAGAAACTGGGGCAGGAGGAGATGGGTAGGGAAG-3'